The following is an entry in ClinVar:

NM_001009944.3(PKD1):c.11007C>T (p.Gly3669=)

Genes: PKD1 (polycystin 1, transient receptor potential channel interacting; minus strand), PKD1-AS1 (PKD1 antisense RNA 1; plus strand). Cytogenetic location: 16p13.3.
Variant type: single nucleotide variant.
Coding change: c.11007C>T on transcript NM_001009944.3 (MANE Select); coding-DNA position 11007, C replaced by T.
Protein change: p.Gly3669=; no amino-acid change (glycine 3669 retained).
Molecular consequence: synonymous variant.
Genome position (GRCh38, 1-based): chr16:2,093,553, G>A on the plus strand (C>T on the coding strand, the complement: PKD1 is on the minus strand). VCF-style: chr16-2093553-G-A. GRCh37 (hg19) VCF-style: chr16-2143554-G-A.
Other names: c.11004C>T, p.Gly3668= (NM_000296.4).
Identifiers: ClinVar variation 2497955 (VCV002497955.4), dbSNP rs2544646197, ClinGen allele CA493044873.
Genomic context (GRCh38, chr16:2,093,553, plus strand): 5'-TGGGAGACAAGAGACGGAGGTGGCAGGGGCACAGGCCGCACCCAGGCTCACCCGCAGCAT[G>A]CCATGTAGCCTCTTGACCTTGCGGGCTTCTTCCTTGGCCAGGAAGAGTGCAAAGCCGTGG-3'
Protein context (NP_001009944.3, residues 3659-3679): EEARKVKRLH[Gly3669=]MLRSLLVYML

ClinVar aggregate classification (germline): Conflicting classifications of pathogenicity. Review status: criteria provided, conflicting classifications (1 of 4 stars). 3 submissions from 3 submitters: Pathogenic (1); Uncertain significance (2). Last evaluated 2026-06-30.

Conditions:
Polycystic kidney disease, adult type (PKD1). Also called: Polycystic Kidney, Autosomal Dominant; POLYCYSTIC KIDNEY DISEASE, ADULT, TYPE I; Polycystic Kidney Disease 1, Autosomal Dominant; Polycystic kidney disease 1; Polycystic kidney disease 1, severe; POLYCYSTIC KIDNEY DISEASE 1 WITH OR WITHOUT POLYCYSTIC LIVER DISEASE. Identifiers: MedGen C3149841, MONDO:0008263, OMIM 173900.
Cystic renal disease.

Allele frequency attached by ClinVar (database versions not stated): gnomAD exomes below 0.00001.
gnomAD v4.1: 1 of 1,601,988 alleles (0.000062%); highest among the groups gnomAD compares: Non-Finnish European, 0.000085%; no homozygotes.

Submissions (3):

GeneDx
Classification: Uncertain significance. Last evaluated: 2026-06-30. Review status: criteria provided, single submitter. Criteria: GeneDx Variant Classification Process June 2021. Collection method: clinical testing. Allele origin: germline.
Comment: Reported in an individual from a cohort of patients with polycystic kidney disease in published literature; however, further patient-specific detail was not provided (PMID: 22383692); Not observed at significant frequency in large population cohorts (gnomAD); In silico analysis supports a deleterious effect on splicing; This variant is associated with the following publications: (PMID: 25757501, 22383692)

Genetics Laboratory, Great Ormond Street Hospital NHS Foundation Trust, North Thames Genomic Laboratory Hub
Classification: Pathogenic for Cystic renal disease. Last evaluated: 2026-01-02. Review status: criteria provided, single submitter. Criteria: ACGS Best Practice Guidelines for Variant Classification in Rare Disease 2024 v1.2. Collection method: clinical testing. Allele origin: germline. Affected: yes.
Comment: PM2_moderate, PVS1_very-strong

Fulgent Genetics
Classification: Uncertain significance for Polycystic kidney disease, adult type. Last evaluated: 2024-03-21. Review status: criteria provided, single submitter. Criteria: ACMG Guidelines, 2015. Collection method: clinical testing. Allele origin: germline.